The following is an entry in ClinVar:

NM_000465.4(BARD1):c.807T>A (p.Ser269=)

Gene: BARD1 (BRCA1 associated RING domain 1; minus strand). Cytogenetic location: 2q35.
Variant type: single nucleotide variant.
Coding change: c.807T>A on transcript NM_000465.4 (MANE Select); coding-DNA position 807, T replaced by A.
Protein change: p.Ser269=; no amino-acid change (serine 269 retained).
Molecular consequence: synonymous variant. On other transcripts: non-coding transcript variant (2), intron variant (3).
Genome position (GRCh38, 1-based): chr2:214,781,067, A>T on the plus strand (T>A on the coding strand, the complement: BARD1 is on the minus strand). VCF-style: chr2-214781067-A-T. GRCh37 (hg19) VCF-style: chr2-215645791-A-T.
Other names: c.750T>A, p.Ser250= (NM_001282543.2); c.158+28345T>A (NM_001282548.2); c.215+15994T>A (NM_001282545.2); c.364+11230T>A (NM_001282549.2).
Identifiers: ClinVar variation 1761907 (VCV001761907.6), dbSNP rs1420328641, ClinGen allele CA431390481.

ClinVar aggregate classification (germline): Benign/Likely benign. Review status: criteria provided, multiple submitters, no conflicts (2 of 4 stars). 3 submissions from 3 submitters: Benign (1); Likely benign (2). Last evaluated 2024-07-23.

Conditions:
Hereditary cancer-predisposing syndrome. Also called: Neoplastic Syndromes, Hereditary; Tumor predisposition; Hereditary Cancer Syndrome; Hereditary neoplastic syndrome. Identifiers: Orphanet 140162, MedGen C0027672, MeSH D009386, MONDO:0015356.
Familial cancer of breast. Also called: hereditary breast carcinoma; BREAST CANCER, FAMILIAL; Hereditary breast cancer. Identifiers: Orphanet 227535, MedGen C0346153, MONDO:0016419, OMIM 114480. Disease mechanism: loss of function.

Submissions (3):

Myriad Genetics, Inc.
Classification: Benign for Familial cancer of breast. Last evaluated: 2024-07-23. Review status: criteria provided, single submitter. Criteria: Myriad Autosomal Dominant, Autosomal Recessive and X-Linked Classification Criteria (2023). Collection method: clinical testing. Allele origin: unknown.
Comment: This variant is considered benign. This variant is a silent/synonymous amino acid change and it is not expected to impact splicing.

Labcorp Genetics (formerly Invitae), Labcorp
Classification: Likely benign for Familial cancer of breast. Last evaluated: 2023-09-06. Review status: criteria provided, single submitter. Criteria: Invitae Variant Classification Sherloc (09022015). Collection method: clinical testing. Allele origin: germline.

Ambry Genetics
Classification: Likely benign for Hereditary cancer-predisposing syndrome. Last evaluated: 2022-04-04. Review status: criteria provided, single submitter. Criteria: Ambry Variant Classification Scheme 2023. Collection method: clinical testing. Allele origin: germline.